The following is an entry in ClinVar:

ClinVar aggregate classification (germline): Uncertain significance (1 of 4 stars; one submission).

Conditions:
Hermansky-Pudlak syndrome 9 (HPS9). Identifiers: Orphanet 280663, Orphanet 79430, MedGen C3280026, MONDO:0013606, OMIM 614171.

Submission:

Labcorp Genetics (formerly Invitae), Labcorp
Classification: Uncertain significance for Hermansky-Pudlak syndrome 9. Last evaluated: 2020-02-27. Review status: criteria provided, single submitter. Criteria: Invitae Variant Classification Sherloc (09022015). Collection method: clinical testing. Allele origin: germline.
Comment: This sequence change replaces lysine with glutamic acid at codon 145 of the BLOC1S6 protein (p.Lys145Glu). The lysine residue is moderately conserved and there is a small physicochemical difference between lysine and glutamic acid. This variant is not present in population databases (ExAC no frequency). This variant has not been reported in the literature in individuals with BLOC1S6-related conditions. Algorithms developed to predict the effect of missense changes on protein structure and function (SIFT, PolyPhen-2, Align-GVGD) all suggest that this variant is likely to be tolerated, but these predictions have not been confirmed by published functional studies and their clinical significance is uncertain. In summary, the available evidence is currently insufficient to determine the role of this variant in disease. Therefore, it has been classified as a Variant of Uncertain Significance.

NM_012388.4(BLOC1S6):c.433A>G (p.Lys145Glu)

Gene: BLOC1S6 (biogenesis of lysosomal organelles complex 1 subunit 6; plus strand). Cytogenetic location: 15q21.1.
Variant type: single nucleotide variant.
Coding change: c.433A>G on transcript NM_012388.4 (MANE Select); coding-DNA position 433, A replaced by G.
Protein change: p.Lys145Glu; replaces lysine 145 with glutamic acid.
Molecular consequence: missense variant. On other transcripts: 3 prime UTR variant (1), non-coding transcript variant (10).
Genome position (GRCh38, 1-based): chr15:45,606,428, A>G. VCF-style: chr15-45606428-A-G. GRCh37 (hg19) VCF-style: chr15-45898626-A-G.
Other names: c.448A>G, p.Lys150Glu (NM_001311255.1); c.*84A>G (NM_001311256.1); short protein forms K145E, K150E.
Identifiers: ClinVar variation 1011897 (VCV001011897.8), dbSNP rs1894463062, ClinGen allele CA392300955.
Genomic context (GRCh38, chr15:45,606,428, plus strand): 5'-GGTTTTTAAATTTTTTTTTTAACACAGAAAAGAGCACTTAAACTGCAGCAGAAGAGGCAA[A>G]AAGAAGAGTTGGAAAGGGAGCAGCAACGAGAGAAGGAGTTTGAAAGAGAAAAGCAGTTAA-3'
Protein context (NP_036520.1, residues 135-155): RALKLQQKRQ[Lys145Glu]EELEREQQRE